The following is an entry in ClinVar:

NM_001943.5(DSG2):c.121C>A (p.His41Asn)

Gene: DSG2 (desmoglein 2; plus strand). Cytogenetic location: 18q12.1.
Variant type: single nucleotide variant.
Coding change: c.121C>A on transcript NM_001943.5 (MANE Select); coding-DNA position 121, C replaced by A.
Protein change: p.His41Asn; replaces histidine 41 with asparagine.
Molecular consequence: missense variant.
Genome position (GRCh38, 1-based): chr18:31,519,842, C>A. VCF-style: chr18-31519842-C-A. GRCh37 (hg19) VCF-style: chr18-29099805-C-A.
Other names: c.121C>A (LRG_397t1); short protein forms H41N.
Identifiers: ClinVar variation 419925 (VCV000419925.20), dbSNP rs201499704, ClinGen allele CA041702.

ClinVar aggregate classification (germline): Likely benign. Review status: criteria provided, multiple submitters, no conflicts (2 of 4 stars). 8 submissions from 8 submitters: Likely benign (8). Last evaluated 2026-01-27.

Conditions:
Cardiovascular phenotype. Identifiers: MedGen CN230736.
Arrhythmogenic right ventricular dysplasia 10. Also called: Arrhythmogenic right ventricular dysplasia/cardiomyopathy, type 10; Arrhythmogenic Right Ventricular Dysplasia/Cardiomyopathy10; ARRHYTHMOGENIC RIGHT VENTRICULAR DYSPLASIA, FAMILIAL, 10. Identifiers: MedGen C1857777, MONDO:0012434, OMIM 610193.
Dilated cardiomyopathy 1BB (CMD1BB). Also called: CARDIOMYOPATHY, DILATED, 1BB, SUSCEPTIBILITY TO. Identifiers: Orphanet 154, MedGen C2752072, MONDO:0013030, OMIM 612877.
Arrhythmogenic right ventricular cardiomyopathy (ARVD). Also called: Cardiomyopathy, ARVC; Arrhythmogenic right ventricular dysplasia; Arrhythmogenic cardiomyopathy; Arrhythmogenic Right Ventricular Cardiomyopathy (ARVC). Identifiers: Orphanet 247, MedGen C0349788, MeSH D019571, MONDO:0016587. Disease mechanism: loss of function. Inheritance: Various modes of inheritance.
Cardiomyopathy (CMYO). Also called: Cardiomyopathies. Identifiers: Orphanet 167848, MedGen C0878544, MONDO:0004994, HP:0001638. Inheritance: Various modes of inheritance.

Allele frequency attached by ClinVar (database versions not stated): gnomAD exomes 0.00009; ExAC 0.00013; 1000 Genomes Project 30x 0.00016; 1000 Genomes Project 0.00020; ESP Exome Variant Server 0.00025; gnomAD 0.00035 and 0.00039; TOPMed 0.00051.
gnomAD v4.1: 104 of 1,614,166 alleles (0.0064%); highest among the groups gnomAD compares: African/African-American, 0.12%; no homozygotes.

Submissions (8):

Labcorp Genetics (formerly Invitae), Labcorp
Classification: Likely benign for Arrhythmogenic right ventricular dysplasia 10. Last evaluated: 2026-01-27. Review status: criteria provided, single submitter. Criteria: Invitae Variant Classification Sherloc (09022015). Collection method: clinical testing. Allele origin: germline.

Molecular Diagnostic Laboratory for Inherited Cardiovascular Disease, Montreal Heart Institute
Classification: Likely benign. Last evaluated: 2025-04-09. Review status: criteria provided, single submitter. Criteria: ACMG Guidelines, 2015. Collection method: clinical testing. Allele origin: germline. Affected: no.

Women's Health and Genetics/Laboratory Corporation of America, LabCorp
Classification: Likely benign. Last evaluated: 2024-06-19. Review status: criteria provided, single submitter. Criteria: LabCorp Variant Classification Summary - May 2015. Collection method: clinical testing. Allele origin: germline.
Comment: Variant summary: DSG2 c.121C>A (p.His41Asn) results in a conservative amino acid change in the encoded protein sequence. Five of five in-silico tools predict a benign effect of the variant on protein function. The variant allele was found at a frequency of 9.2e-05 in 249486 control chromosomes, predominantly at a frequency of 0.0014 within the African or African-American subpopulation in the gnomAD database. The observed variant frequency within African or African-American control individuals in the gnomAD database is approximately 5.6 fold of the estimated maximal expected allele frequency for a pathogenic variant in DSG2 causing Arrhythmogenic Right Ventricular Dysplasia/Cardiomyopathy phenotype (0.00025). c.121C>A has been reported in the literature in individuals affected with cardiomyopathy (e.g. Lopes_2013, Burstein_2021). These report(s) do not provide unequivocal conclusions about association of the variant with Arrhythmogenic Right Ventricular Dysplasia/Cardiomyopathy. To our knowledge, no experimental evidence demonstrating an impact on protein function has been reported. The following publications have been ascertained in the context of this evaluation (PMID: 32746448, 23396983). ClinVar contains an entry for this variant (Variation ID: 419925). Based on the evidence outlined above, the variant was classified as likely benign.

All of Us Research Program, National Institutes of Health
Classification: Likely benign for Arrhythmogenic right ventricular cardiomyopathy. Last evaluated: 2024-02-05. Review status: criteria provided, single submitter. Criteria: ACMG Guidelines, 2015. Collection method: clinical testing. Allele origin: germline. Inheritance: Autosomal dominant inheritance. Observed: 31 variant alleles, 31 heterozygotes.
Comment: This study involves interpretation of variants in research participants for the purpose of population health screening. Participant phenotype was not available at the time of variant classification. Additional details can be found in publication PMID: 35346344, PMCID: PMC8962531

Ambry Genetics
Classification: Likely benign for Cardiovascular phenotype. Last evaluated: 2021-11-04. Review status: criteria provided, single submitter. Criteria: Ambry Variant Classification Scheme 2023. Collection method: clinical testing. Allele origin: germline.

Fulgent Genetics
Classification: Likely benign for Arrhythmogenic right ventricular dysplasia 10; Dilated cardiomyopathy 1BB. Last evaluated: 2021-08-30. Review status: criteria provided, single submitter. Criteria: ACMG Guidelines, 2015. Collection method: clinical testing. Allele origin: unknown.

GeneDx
Classification: Likely benign. Last evaluated: 2021-05-25. Review status: criteria provided, single submitter. Criteria: GeneDx Variant Classification Process June 2021. Collection method: clinical testing. Allele origin: germline. Affected: yes.

Color Diagnostics, LLC DBA Color Health
Classification: Likely benign for Cardiomyopathy. Last evaluated: 2018-11-04. Review status: criteria provided, single submitter. Criteria: ACMG Guidelines, 2015. Collection method: clinical testing. Allele origin: germline.

Literature cited by the submitters: PubMed 23396983 (cited by Women's Health and Genetics/Laboratory Corporation of America, LabCorp and Ambry Genetics); PubMed 32746448 (cited by Women's Health and Genetics/Laboratory Corporation of America, LabCorp).